The following is an entry in ClinVar:

ClinVar aggregate classification (germline): Uncertain significance (1 of 4 stars; one submission).

Allele frequency attached by ClinVar (database versions not stated): gnomAD exomes below 0.00001; TOPMed below 0.00001; gnomAD 0.00001.
gnomAD v4.1: 6 of 1,607,934 alleles (0.00037%); highest among the groups gnomAD compares: African/African-American, 0.008%; no homozygotes.

Submission:

Ambry Genetics
Classification: Uncertain significance. Last evaluated: 2024-07-21. Review status: criteria provided, single submitter. Criteria: Ambry Variant Classification Scheme 2023. Collection method: clinical testing. Allele origin: germline.
Comment: The p.E203Q variant (also known as c.607G>C), located in coding exon 4 of the POLQ gene, results from a G to C substitution at nucleotide position 607. The glutamic acid at codon 203 is replaced by glutamine, an amino acid with highly similar properties. This amino acid position is conserved. In addition, this alteration is predicted to be tolerated by in silico analysis. Since supporting evidence is limited at this time, the clinical significance of this alteration remains unclear.

NM_199420.4(POLQ):c.607G>C (p.Glu203Gln)

Gene: POLQ (DNA polymerase theta; minus strand). Cytogenetic location: 3q13.33.
Variant type: single nucleotide variant.
Coding change: c.607G>C on transcript NM_199420.4 (MANE Select); coding-DNA position 607, G replaced by C.
Protein change: p.Glu203Gln; replaces glutamic acid 203 with glutamine.
Molecular consequence: missense variant.
Genome position (GRCh38, 1-based): chr3:121,539,457, C>G on the plus strand (G>C on the coding strand, the complement: POLQ is on the minus strand). VCF-style: chr3-121539457-C-G. GRCh37 (hg19) VCF-style: chr3-121258304-C-G.
Other names: short protein forms E203Q.
Identifiers: ClinVar variation 1751443 (VCV001751443.3), dbSNP rs1178041828, ClinGen allele CA354091030.